The following is an entry in ClinVar:

NM_001458.5(FLNC):c.2617G>A (p.Glu873Lys)

Gene: FLNC (filamin C; plus strand). Cytogenetic location: 7q32.1.
Variant type: single nucleotide variant.
Coding change: c.2617G>A on transcript NM_001458.5 (MANE Select); coding-DNA position 2617, G replaced by A.
Protein change: p.Glu873Lys; replaces glutamic acid 873 with lysine.
Molecular consequence: missense variant.
Genome position (GRCh38, 1-based): chr7:128,843,295, G>A. VCF-style: chr7-128843295-G-A. GRCh37 (hg19) VCF-style: chr7-128483349-G-A.
Other names: c.2617G>A, p.Glu873Lys (NM_001127487.2); short protein forms E873K.
Identifiers: ClinVar variation 472014 (VCV000472014.19), dbSNP rs771092335, ClinGen allele CA166176251.

ClinVar aggregate classification (germline): Uncertain significance. Review status: criteria provided, multiple submitters, no conflicts (2 of 4 stars). 6 submissions from 6 submitters: Uncertain significance (6). Last evaluated 2026-01-27.

Conditions:
Myofibrillar myopathy 5. Also called: Filaminopathy (type); FILAMINOPATHY, AUTOSOMAL DOMINANT. Identifiers: Orphanet 171445, MedGen C1836050, MONDO:0012289, OMIM 609524.
Hypertrophic cardiomyopathy 26. Also called: Cardiomyopathy, familial hypertrophic, 26. Identifiers: Orphanet 75249, MedGen C4310749, MONDO:0014883, OMIM 617047.
Distal myopathy with posterior leg and anterior hand involvement. Also called: WILLIAMS DISTAL MYOPATHY. Identifiers: Orphanet 63273, MedGen C3279722, MONDO:0013550, OMIM 614065.
Cardiovascular phenotype. Identifiers: MedGen CN230736.
Hypertrophic cardiomyopathy. Also called: HYPERTROPHIC MYOCARDIOPATHY. Identifiers: Orphanet 217569, MedGen C0007194, MeSH D002312, MONDO:0005045, HP:0001639.

Allele frequency attached by ClinVar (database versions not stated): gnomAD 0.00001; TOPMed 0.00001.
gnomAD v4.1: 7 of 1,612,652 alleles (0.00043%); highest among the groups gnomAD compares: Non-Finnish European, 0.00059%; no homozygotes.

Submissions (6):

Labcorp Genetics (formerly Invitae), Labcorp
Classification: Uncertain significance for Distal myopathy with posterior leg and anterior hand involvement; Myofibrillar myopathy 5; Hypertrophic cardiomyopathy 26. Last evaluated: 2026-01-27. Review status: criteria provided, single submitter. Criteria: Invitae Variant Classification Sherloc (09022015). Collection method: clinical testing. Allele origin: germline.
Comment: This sequence change replaces glutamic acid, which is acidic and polar, with lysine, which is basic and polar, at codon 873 of the FLNC protein (p.Glu873Lys). The frequency data for this variant in the population databases is considered unreliable, as metrics indicate poor data quality at this position in the gnomAD database. This missense change has been observed in individual(s) with clinical features of FLNC-related conditions (internal data). ClinVar contains an entry for this variant (Variation ID: 472014). Invitae Evidence Modeling of protein sequence and biophysical properties (such as structural, functional, and spatial information, amino acid conservation, physicochemical variation, residue mobility, and thermodynamic stability) has been performed for this missense variant. However, the output from this modeling did not meet the statistical confidence thresholds required to predict the impact of this variant on FLNC protein function. In summary, the available evidence is currently insufficient to determine the role of this variant in disease. Therefore, it has been classified as a Variant of Uncertain Significance.

Revvity Omics, Revvity
Classification: Uncertain significance. Last evaluated: 2025-06-19. Review status: criteria provided, single submitter. Criteria: ACMG Guidelines, 2015. Collection method: clinical testing. Allele origin: germline.

GeneDx
Classification: Uncertain significance. Last evaluated: 2025-05-05. Review status: criteria provided, single submitter. Criteria: GeneDx Variant Classification Process June 2021. Collection method: clinical testing. Allele origin: germline. Affected: yes.
Comment: Not observed at significant frequency in large population cohorts (gnomAD); In silico analysis supports that this missense variant has a deleterious effect on protein structure/function; Has not been previously published as pathogenic or benign to our knowledge

Clinical Genetics Laboratory, Skane University Hospital Lund
Classification: Uncertain significance for Hypertrophic cardiomyopathy. Last evaluated: 2025-04-30. Review status: criteria provided, single submitter. Criteria: ACMG Guidelines, 2015. Collection method: clinical testing. Allele origin: germline. Affected: yes.
Comment: ACMG criteria used: PP3

Ambry Genetics
Classification: Uncertain significance for Cardiovascular phenotype. Last evaluated: 2024-03-27. Review status: criteria provided, single submitter. Criteria: Ambry Variant Classification Scheme 2023. Collection method: clinical testing. Allele origin: germline.
Comment: The p.E873K variant (also known as c.2617G>A), located in coding exon 17 of the FLNC gene, results from a G to A substitution at nucleotide position 2617. The glutamic acid at codon 873 is replaced by lysine, an amino acid with similar properties. This amino acid position is highly conserved in available vertebrate species. In addition, this alteration is predicted to be deleterious by in silico analysis. Since supporting evidence is limited at this time, the clinical significance of this alteration remains unclear.

Blueprint Genetics
Classification: Uncertain significance. Last evaluated: 2020-03-26. Review status: criteria provided, single submitter. Criteria: ACMG Guidelines, 2015. Collection method: clinical testing. Allele origin: germline.